The following is an entry in ClinVar:

NM_138295.5(PKD1L1):c.884A>G (p.Asn295Ser)

Gene: PKD1L1 (polycystin 1 like 1, transient receptor potential channel interacting; minus strand). Cytogenetic location: 7p12.3.
Variant type: single nucleotide variant.
Coding change: c.884A>G on transcript NM_138295.5 (MANE Select); coding-DNA position 884, A replaced by G.
Protein change: p.Asn295Ser; replaces asparagine 295 with serine.
Molecular consequence: missense variant.
Genome position (GRCh38, 1-based): chr7:47,929,380, T>C on the plus strand (A>G on the coding strand, the complement: PKD1L1 is on the minus strand). VCF-style: chr7-47929380-T-C. GRCh37 (hg19) VCF-style: chr7-47968977-T-C.
Other names: short protein forms N295S.
Identifiers: ClinVar variation 1998447 (VCV001998447.4), dbSNP rs2128755332, ClinGen allele CA367463354.

ClinVar aggregate classification (germline): Uncertain significance (1 of 4 stars; one submission).

Submission:

Labcorp Genetics (formerly Invitae), Labcorp
Classification: Uncertain significance. Last evaluated: 2022-05-25. Review status: criteria provided, single submitter. Criteria: Invitae Variant Classification Sherloc (09022015). Collection method: clinical testing. Allele origin: germline.
Comment: This sequence change replaces asparagine, which is neutral and polar, with serine, which is neutral and polar, at codon 295 of the PKD1L1 protein (p.Asn295Ser). This variant is not present in population databases (gnomAD no frequency). This variant has not been reported in the literature in individuals affected with PKD1L1-related conditions. Algorithms developed to predict the effect of missense changes on protein structure and function (SIFT, PolyPhen-2, Align-GVGD) all suggest that this variant is likely to be tolerated. Algorithms developed to predict the effect of sequence changes on RNA splicing suggest that this variant may create or strengthen a splice site. In summary, the available evidence is currently insufficient to determine the role of this variant in disease. Therefore, it has been classified as a Variant of Uncertain Significance.